The following is an entry in ClinVar:

ClinVar aggregate classification (germline): Conflicting classifications of pathogenicity. Review status: criteria provided, conflicting classifications (1 of 4 stars). 3 submissions from 3 submitters: Uncertain significance (2); Likely benign (1). Last evaluated 2025-09-10.

Conditions:
Early-infantile DEE. Also called: Ohtahara syndrome; Early infantile epileptic encephalopathy with suppression bursts; Early infantile epileptic encephalopathy. Identifiers: Orphanet 1934, MedGen C0393706, MONDO:0800491.
Inborn genetic diseases. Identifiers: MedGen C0950123, MeSH D030342.
Developmental and epileptic encephalopathy, 5 (DEE5). Identifiers: Orphanet 3451, MedGen C3150731, MONDO:0013277, OMIM 613477.

Allele frequency attached by ClinVar (database versions not stated): ExAC 0.00002; gnomAD exomes 0.00002; gnomAD 0.00003; ESP Exome Variant Server 0.00008; 1000 Genomes Project 30x 0.00016; 1000 Genomes Project 0.00020.
gnomAD v4.1: 15 of 1,614,146 alleles (0.00093%); highest among the groups gnomAD compares: Admixed American, 0.013%; no homozygotes.

Submissions (3):

Labcorp Genetics (formerly Invitae), Labcorp
Classification: Uncertain significance for Early-infantile DEE. Last evaluated: 2025-09-10. Review status: criteria provided, single submitter. Criteria: Invitae Variant Classification Sherloc (09022015). Collection method: clinical testing. Allele origin: germline.
Comment: This sequence change replaces valine, which is neutral and non-polar, with methionine, which is neutral and non-polar, at codon 763 of the SPTAN1 protein (p.Val763Met). This variant is present in population databases (rs372062686, gnomAD 0.009%). This variant has not been reported in the literature in individuals affected with SPTAN1-related conditions. ClinVar contains an entry for this variant (Variation ID: 626172). Invitae Evidence Modeling of protein sequence and biophysical properties (such as structural, functional, and spatial information, amino acid conservation, physicochemical variation, residue mobility, and thermodynamic stability) has been performed for this missense variant. However, the output from this modeling did not meet the statistical confidence thresholds required to predict the impact of this variant on SPTAN1 protein function. In summary, the available evidence is currently insufficient to determine the role of this variant in disease. Therefore, it has been classified as a Variant of Uncertain Significance.

Ambry Genetics
Classification: Likely benign for Inborn genetic diseases. Last evaluated: 2021-06-22. Review status: criteria provided, single submitter. Criteria: Ambry Variant Classification Scheme 2023. Collection method: clinical testing. Allele origin: germline.

Center for Genomics, Ann and Robert H. Lurie Children's Hospital of Chicago
Classification: Uncertain significance for Developmental and epileptic encephalopathy, 5. Last evaluated: 2021-03-30. Review status: criteria provided, single submitter. Criteria: ACMG Guidelines, 2015. Collection method: clinical testing. Allele origin: germline.
Comment: SPTAN1 NM_001130438 exon 17 p.Val763Met (c.2287G>A): This variant has not been reported in the literature but is present in 3/33558 Latino individuals in the Genome Aggregation Database. Evolutionary conservation and computational predictive tools suggest that this variant may impact the protein. In summary, data on this variant is insufficient for disease classification. Therefore, the clinical significance of this variant is uncertain.

NM_001130438.3(SPTAN1):c.2287G>A (p.Val763Met)

Gene: SPTAN1 (spectrin alpha, non-erythrocytic 1; plus strand). Cytogenetic location: 9q34.11.
Variant type: single nucleotide variant.
Coding change: c.2287G>A on transcript NM_001130438.3 (MANE Select); coding-DNA position 2287, G replaced by A.
Protein change: p.Val763Met; replaces valine 763 with methionine.
Molecular consequence: missense variant.
Genome position (GRCh38, 1-based): chr9:128,584,375, G>A. VCF-style: chr9-128584375-G-A. GRCh37 (hg19) VCF-style: chr9-131346654-G-A.
Other names: c.2287G>A, p.Val763Met (NM_001195532.2, NM_001363759.2, NM_001363765.2 and 1 more transcripts); c.2287G>A (NM_001130438.2); short protein forms V763M.
Identifiers: ClinVar variation 626172 (VCV000626172.9), dbSNP rs372062686, ClinGen allele CA5264607.